The following is an entry in ClinVar:

GRCh38/hg38 4p16.3(chr4:49556-3910769)x1

Genes: ADD1 (adducin 1; plus strand), ADRA2C (adrenoceptor alpha 2C; plus strand), ASPNAT (aspartate N-acetyltransferase; plus strand), ATP5ME (ATP synthase membrane subunit e; minus strand), CFAP99 (cilia and flagella associated protein 99; plus strand) and 281 more. Cytogenetic location: 4p16.3.
Variant type: copy number loss.
Change: copy number 1 (one copy instead of two) of chr4:49,556-3,910,769 (3.86 Mb, GRCh38 coordinates, 1-based), cytogenetic band 4p16.3.
Identifiers: ClinVar variation 4755361 (VCV004755361.1).

ClinVar aggregate classification (germline): Pathogenic (1 of 4 stars; one submission).

Submission:

Clinical Genomics Laboratory, Laboratory for Precision Diagnostics, University of Washington
Classification: Pathogenic. Last evaluated: 2022-01-25. Review status: criteria provided, single submitter. Criteria: ACMG/ClinGen CNV Guidelines, 2019. Collection method: clinical testing. Allele origin: de novo. Affected: yes. Observed: 1 variant allele.
Comment: This deletion encompasses the entirety of the critical region for Wolf-Hirschhorn syndrome.

Literature cited by the submitters: PubMed 21205869; PubMed 33760347; PubMed 26239400; PubMed 18932124.